The following is an entry in ClinVar:

ClinVar aggregate classification (germline): Uncertain significance (1 of 4 stars; one submission).

Conditions:
Hereditary cancer-predisposing syndrome. Also called: Hereditary Cancer Syndrome; Hereditary neoplastic syndrome; Tumor predisposition; Neoplastic Syndromes, Hereditary. Identifiers: Orphanet 140162, MedGen C0027672, MeSH D009386, MONDO:0015356.

Submission:

Ambry Genetics
Classification: Uncertain significance for Hereditary cancer-predisposing syndrome. Last evaluated: 2021-02-23. Review status: criteria provided, single submitter. Criteria: Ambry Variant Classification Scheme 2023. Collection method: clinical testing. Allele origin: germline.
Comment: The p.N367D variant (also known as c.1099A>G), located in coding exon 8 of the BMPR1A gene, results from an A to G substitution at nucleotide position 1099. The asparagine at codon 367 is replaced by aspartic acid, an amino acid with highly similar properties. This amino acid position is highly conserved in available vertebrate species. In addition, the in silico prediction for this alteration is inconclusive. Since supporting evidence is limited at this time, the clinical significance of this alteration remains unclear.

NM_004329.3(BMPR1A):c.1099A>G (p.Asn367Asp)

Gene: BMPR1A (bone morphogenetic protein receptor type 1A; plus strand). Cytogenetic location: 10q23.2.
Variant type: single nucleotide variant.
Coding change: c.1099A>G on transcript NM_004329.3 (MANE Select); coding-DNA position 1099, A replaced by G.
Protein change: p.Asn367Asp; replaces asparagine 367 with aspartic acid.
Molecular consequence: missense variant.
Genome position (GRCh38, 1-based): chr10:86,919,402, A>G. VCF-style: chr10-86919402-A-G. GRCh37 (hg19) VCF-style: chr10-88679159-A-G.
Other names: c.1174A>G, p.Asn392Asp (NM_001406559.1); c.1147A>G, p.Asn383Asp (NM_001406560.1); c.1099A>G, p.Asn367Asp (NM_001406561.1, NM_001406562.1, NM_001406563.1 and 19 more transcripts); c.1093A>G, p.Asn365Asp (NM_001406583.1); c.1015A>G, p.Asn339Asp (NM_001406584.1, NM_001406585.1, NM_001406586.1 and 2 more transcripts); c.757A>G, p.Asn253Asp (NM_001406589.1); short protein forms N339D, N365D, N383D, N367D, N253D, N392D.
Identifiers: ClinVar variation 1791442 (VCV001791442.2), dbSNP rs2539622504, ClinGen allele CA377460872.